The following is an entry in ClinVar:

NM_014285.7(EXOSC2):c.695A>G (p.Glu232Gly)

Gene: EXOSC2 (exosome component 2; plus strand). Cytogenetic location: 9q34.12.
Variant type: single nucleotide variant.
Coding change: c.695A>G on transcript NM_014285.7 (MANE Select); coding-DNA position 695, A replaced by G.
Protein change: p.Glu232Gly; replaces glutamic acid 232 with glycine.
Molecular consequence: missense variant. On other transcripts: non-coding transcript variant (1).
Genome position (GRCh38, 1-based): chr9:130,703,075, A>G. VCF-style: chr9-130703075-A-G. GRCh37 (hg19) VCF-style: chr9-133578462-A-G.
Other names: c.617A>G, p.Glu206Gly (NM_001282708.1); c.605A>G, p.Glu202Gly (NM_001282709.1); short protein forms E202G, E232G, E206G.
Identifiers: ClinVar variation 1414028 (VCV001414028.7), dbSNP rs2132644684, ClinGen allele CA375248224.

ClinVar aggregate classification (germline): Uncertain significance (1 of 4 stars; one submission).

Allele frequency attached by ClinVar (database versions not stated): gnomAD exomes below 0.00001.
gnomAD v4.1: 6 of 1,613,564 alleles (0.00037%); highest among the groups gnomAD compares: Non-Finnish European, 0.00042%; no homozygotes.

Submission:

Labcorp Genetics (formerly Invitae), Labcorp
Classification: Uncertain significance. Last evaluated: 2024-10-16. Review status: criteria provided, single submitter. Criteria: Invitae Variant Classification Sherloc (09022015). Collection method: clinical testing. Allele origin: germline.
Comment: This sequence change replaces glutamic acid, which is acidic and polar, with glycine, which is neutral and non-polar, at codon 232 of the EXOSC2 protein (p.Glu232Gly). This variant is not present in population databases (gnomAD no frequency). This variant has not been reported in the literature in individuals affected with EXOSC2-related conditions. ClinVar contains an entry for this variant (Variation ID: 1414028). Invitae Evidence Modeling of protein sequence and biophysical properties (such as structural, functional, and spatial information, amino acid conservation, physicochemical variation, residue mobility, and thermodynamic stability) indicates that this missense variant is not expected to disrupt EXOSC2 protein function with a negative predictive value of 80%. In summary, the available evidence is currently insufficient to determine the role of this variant in disease. Therefore, it has been classified as a Variant of Uncertain Significance.